The following is an entry in ClinVar:

NM_000426.4(LAMA2):c.6268+1G>T

Genes: LAMA2 (laminin subunit alpha 2; plus strand), LOC123864065 (Sharpr-MPRA regulatory region 661; plus strand). Cytogenetic location: 6q22.33.
Variant type: single nucleotide variant.
Coding change: c.6268+1G>T on transcript NM_000426.4 (MANE Select); the canonical splice donor site of the intron after coding-DNA position 6268, G replaced by T.
Molecular consequence: splice donor variant.
Genome position (GRCh38, 1-based): chr6:129,440,999, G>T. VCF-style: chr6-129440999-G-T. GRCh37 (hg19) VCF-style: chr6-129762144-G-T.
Other names: c.6268+1G>T (NM_001079823.2).
Identifiers: ClinVar variation 956639 (VCV000956639.8), dbSNP rs1782086875, ClinGen allele CA365629807.
Genomic context (GRCh38, chr6:129,440,999, plus strand): 5'-ATAAACTAGCAGACAGCGTCGCCAAAACGAATGCTGTGGTTAAAGATCCTTCCAAGAACA[G>T]TAAGATCTCCTTTTTCATTGTGATGATGTCATTTATTTCCTCTCACTGTAAAAGTATCCC-3'

ClinVar aggregate classification (germline): Pathogenic (1 of 4 stars; one submission).

Conditions:
LAMA2-related muscular dystrophy (LAMA2-RD). Also called: Laminin alpha 2-related dystrophy. Identifiers: MedGen C5679788, MONDO:0100228.

Submission:

Labcorp Genetics (formerly Invitae), Labcorp
Classification: Pathogenic for LAMA2-related muscular dystrophy. Last evaluated: 2022-10-28. Review status: criteria provided, single submitter. Criteria: Invitae Variant Classification Sherloc (09022015). Collection method: clinical testing. Allele origin: germline.
Comment: This sequence change affects a donor splice site in intron 43 of the LAMA2 gene. It is expected to disrupt RNA splicing. Variants that disrupt the donor or acceptor splice site typically lead to a loss of protein function (PMID: 16199547), and loss-of-function variants in LAMA2 are known to be pathogenic (PMID: 18700894, 32904964). For these reasons, this variant has been classified as Pathogenic. Algorithms developed to predict the effect of sequence changes on RNA splicing suggest that this variant may disrupt the consensus splice site. ClinVar contains an entry for this variant (Variation ID: 956639). Disruption of this splice site has been observed in individuals with congenital muscular dystrophy (PMID: 24611677; Invitae). This variant is not present in population databases (gnomAD no frequency).

Literature cited by the submitters: PubMed 16199547; PubMed 18700894; PubMed 32904964; PubMed 24611677.